The following is an entry in ClinVar:

NM_001015880.2(PAPSS2):c.1809C>T (p.Pro603=)

Gene: PAPSS2 (3'-phosphoadenosine 5'-phosphosulfate synthase 2; plus strand). Cytogenetic location: 10q23.31.
Variant type: single nucleotide variant.
Coding change: c.1809C>T on transcript NM_001015880.2 (MANE Select); coding-DNA position 1809, C replaced by T.
Protein change: p.Pro603=; no amino-acid change (proline 603 retained).
Molecular consequence: synonymous variant.
Genome position (GRCh38, 1-based): chr10:87,745,919, C>T. VCF-style: chr10-87745919-C-T. GRCh37 (hg19) VCF-style: chr10-89505676-C-T.
Other names: c.1794C>T, p.Pro598= (NM_004670.4).
Identifiers: ClinVar variation 3067558 (VCV003067558.21), dbSNP rs2492880567, ClinGen allele CA470659621.

ClinVar aggregate classification (germline): Likely benign (1 of 4 stars; one submission).

gnomAD v4.1: 1 of 1,614,018 alleles (0.000062%); no homozygotes.

Submission:

CeGaT Center for Human Genetics Tuebingen
Classification: Likely benign. Last evaluated: 2024-03-01. Review status: criteria provided, single submitter. Criteria: CeGaT Center For Human Genetics Tuebingen Variant Classification Criteria Version 2. Collection method: clinical testing. Allele origin: germline. Affected: yes. Observed: 1 variant allele.
Comment: PAPSS2: PM2:Supporting, BP4, BP7